The following is an entry in ClinVar:

NM_024675.4(PALB2):c.1837C>T (p.Gln613Ter)

Gene: PALB2 (partner and localizer of BRCA2; minus strand). Cytogenetic location: 16p12.2.
Variant type: single nucleotide variant.
Coding change: c.1837C>T on transcript NM_024675.4 (MANE Select); coding-DNA position 1837, C replaced by T.
Protein change: p.Gln613Ter; replaces glutamine 613 with a stop codon.
Molecular consequence: nonsense.
Genome position (GRCh38, 1-based): chr16:23,630,317, G>A on the plus strand (C>T on the coding strand, the complement: PALB2 is on the minus strand). VCF-style: chr16-23630317-G-A. GRCh37 (hg19) VCF-style: chr16-23641638-G-A.
Other names: short protein forms Q613*.
Identifiers: ClinVar variation 830147 (VCV000830147.9), dbSNP rs1966865214, ClinGen allele CA395127879.
Genomic context (GRCh38, chr16:23,630,317, plus strand): 5'-TTTCTGAGCAGGACTTCACTTTTTCAAGCTTAAGAGGTCCAAAGTCTTCATCAGGTAACT[G>A]AAAGTCTGTGATACTGAGAAAAGACAGTAGTTGCTTTAAACTCAGCATTCCATCCCTATG-3'

ClinVar aggregate classification (germline): Pathogenic. Review status: criteria provided, multiple submitters, no conflicts (2 of 4 stars). 6 submissions from 6 submitters: Pathogenic (5). 1 of the submissions does not count toward it. Last evaluated 2025-01-31.

Conditions:
Hereditary cancer-predisposing syndrome. Also called: Hereditary neoplastic syndrome; Neoplastic Syndromes, Hereditary; Tumor predisposition; Hereditary Cancer Syndrome. Identifiers: Orphanet 140162, MedGen C0027672, MeSH D009386, MONDO:0015356.
Familial cancer of breast. Also called: BREAST CANCER, FAMILIAL; Hereditary breast cancer; hereditary breast carcinoma. Identifiers: Orphanet 227535, MedGen C0346153, MONDO:0016419, OMIM 114480. Disease mechanism: loss of function.
Breast-ovarian cancer, familial, susceptibility to, 5 (BROVCA5). Identifiers: MedGen C5830615, MONDO:0957530, OMIM 620442.

Allele frequency attached by ClinVar (database versions not stated): gnomAD exomes below 0.00001.
gnomAD v4.1: 1 of 1,614,206 alleles (0.000062%); highest among the groups gnomAD compares: Middle Eastern, 0.016%; no homozygotes.

Submissions (6):

Ambry Genetics
Classification: Pathogenic for Hereditary cancer-predisposing syndrome. Last evaluated: 2025-01-31. Review status: criteria provided, single submitter. Criteria: Ambry Variant Classification Scheme 2023. Collection method: clinical testing. Allele origin: germline.
Comment: The p.Q613* pathogenic mutation (also known as c.1837C>T), located in coding exon 5 of the PALB2 gene, results from a C to T substitution at nucleotide position 1837. This changes the amino acid from a glutamine to a stop codon within coding exon 5. This variant was detected in 1/16501 Chinese breast cancer patients and 0/5890 female controls (Zhou J et al. Cancer, 2020 Jul;126:3202-3208). This variant is considered to be rare based on population cohorts in the Genome Aggregation Database (gnomAD). This alteration is expected to result in loss of function by premature protein truncation or nonsense-mediated mRNA decay. As such, this alteration is interpreted as a disease-causing mutation.

Department of Human Genetics, Hannover Medical School
Classification: Pathogenic for Breast-ovarian cancer, familial, susceptibility to, 5. Last evaluated: 2024-06-21. Review status: criteria provided, single submitter. Criteria: ACMG Guidelines, 2015. Collection method: clinical testing. Allele origin: germline. Inheritance: Autosomal dominant inheritance. Affected: no.

Myriad Genetics, Inc.
Classification: Pathogenic for Familial cancer of breast. Last evaluated: 2023-09-11. Review status: criteria provided, single submitter. Criteria: Myriad Autosomal Dominant, Autosomal Recessive and X-Linked Classification Criteria (2023). Collection method: clinical testing. Allele origin: unknown.
Comment: This variant is considered pathogenic. This variant creates a termination codon and is predicted to result in premature protein truncation.

Labcorp Genetics (formerly Invitae), Labcorp
Classification: Pathogenic for Familial cancer of breast. Last evaluated: 2023-06-14. Review status: criteria provided, single submitter. Criteria: Invitae Variant Classification Sherloc (09022015). Collection method: clinical testing. Allele origin: germline.
Comment: For these reasons, this variant has been classified as Pathogenic. ClinVar contains an entry for this variant (Variation ID: 830147). This premature translational stop signal has been observed in individual(s) with breast cancer (PMID: 32339256). This variant is not present in population databases (gnomAD no frequency). This sequence change creates a premature translational stop signal (p.Gln613*) in the PALB2 gene. It is expected to result in an absent or disrupted protein product. Loss-of-function variants in PALB2 are known to be pathogenic (PMID: 17200668, 17200671, 17200672, 24136930, 25099575).

Color Diagnostics, LLC DBA Color Health
Classification: Pathogenic for Hereditary cancer-predisposing syndrome. Last evaluated: 2023-01-24. Review status: criteria provided, single submitter. Criteria: ACMG Guidelines, 2015. Collection method: clinical testing. Allele origin: germline.
Comment: This variant changes 1 nucleotide in exon 5 of the PALB2 gene, creating a premature translation stop signal. This variant is expected to result in an absent or non-functional protein product. This variant has been reported in an individual affected with breast and gastric cancer who also has an ATM truncation variant, c.5790_5791insCC) (Leiden Open Variation Database DB_ID PALB2_010567). This variant has not been identified in the general population by the Genome Aggregation Database (gnomAD). Loss of PALB2 function is a known mechanism of disease. Based on the available evidence, this variant is classified as Pathogenic.

Leiden Open Variation Database
Classification: Likely pathogenic. Last evaluated: 2019-05-13. Review status: no assertion criteria provided. Collection method: curation. Allele origin: germline. Affected: yes. Not counted in ClinVar's aggregate classification.
Comment: Curators: Marc Tischkowitz, Arleen D. Auerbach. Submitter to LOVD: Andreas Laner.

Literature cited by the submitters: PubMed 32339256 (cited by Ambry Genetics and Labcorp Genetics (formerly Invitae), Labcorp); PubMed 17200668 (cited by Labcorp Genetics (formerly Invitae), Labcorp); PubMed 17200671 (cited by Labcorp Genetics (formerly Invitae), Labcorp); PubMed 17200672 (cited by Labcorp Genetics (formerly Invitae), Labcorp); PubMed 24136930 (cited by Labcorp Genetics (formerly Invitae), Labcorp); PubMed 25099575 (cited by Labcorp Genetics (formerly Invitae), Labcorp).